The following is an entry in ClinVar:

ClinVar aggregate classification (germline): Uncertain significance. Review status: criteria provided, multiple submitters, no conflicts (2 of 4 stars). 2 submissions from 2 submitters: Uncertain significance (2). Last evaluated 2024-10-09.

Conditions:
Generalized epilepsy with febrile seizures plus, type 7 (GEFSP7). Also called: GEFS+, TYPE 7. Identifiers: Orphanet 36387, MedGen C2751778, MONDO:0013470, OMIM 613863.
Neuropathy, hereditary sensory and autonomic, type 2A (HSAN2A). Also called: WNK1-Related HSAN2 (HSAN2A); MORVAN DISEASE; NEUROPATHY, CONGENITAL SENSORY; NEUROPATHY, HEREDITARY SENSORY RADICULAR, AUTOSOMAL RECESSIVE; NEUROPATHY, HEREDITARY SENSORY, TYPE IIA; NEUROPATHY, PROGRESSIVE SENSORY, OF CHILDREN. Identifiers: Orphanet 970, MedGen C2752089, MONDO:0024309, OMIM 201300.

Allele frequency attached by ClinVar (database versions not stated): gnomAD exomes below 0.00001; gnomAD 0.00001; ExAC 0.00002; TOPMed 0.00002.
gnomAD v4.1: 2 of 1,610,244 alleles (0.00012%); highest among the groups gnomAD compares: Non-Finnish European, 0.000085%; no homozygotes.

Submissions (2):

Labcorp Genetics (formerly Invitae), Labcorp
Classification: Uncertain significance for Neuropathy, hereditary sensory and autonomic, type 2A; Generalized epilepsy with febrile seizures plus, type 7. Last evaluated: 2024-10-09. Review status: criteria provided, single submitter. Criteria: Invitae Variant Classification Sherloc (09022015). Collection method: clinical testing. Allele origin: germline.
Comment: This sequence change replaces cysteine, which is neutral and slightly polar, with tyrosine, which is neutral and polar, at codon 1551 of the SCN9A protein (p.Cys1551Tyr). This variant is present in population databases (rs770005392, gnomAD no frequency). This missense change has been observed in individual(s) with encephalopathy (PMID: 36628482). ClinVar contains an entry for this variant (Variation ID: 845942). Invitae Evidence Modeling of protein sequence and biophysical properties (such as structural, functional, and spatial information, amino acid conservation, physicochemical variation, residue mobility, and thermodynamic stability) has been performed for this missense variant. However, the output from this modeling did not meet the statistical confidence thresholds required to predict the impact of this variant on SCN9A protein function. In summary, the available evidence is currently insufficient to determine the role of this variant in disease. Therefore, it has been classified as a Variant of Uncertain Significance.

Blueprint Genetics
Classification: Uncertain significance. Last evaluated: 2024-01-26. Review status: criteria provided, single submitter. Criteria: ACMG Guidelines, 2015. Collection method: clinical testing. Allele origin: germline.

Literature cited by the submitters: PubMed 36628482 (cited by Labcorp Genetics (formerly Invitae), Labcorp).

NM_001365536.1(SCN9A):c.4685G>A (p.Cys1562Tyr)

Genes: SCN1A-AS1 (SCN1A and SCN9A antisense RNA 1; plus strand), SCN9A (sodium voltage-gated channel alpha subunit 9; minus strand). Cytogenetic location: 2q24.3.
Variant type: single nucleotide variant.
Coding change: c.4685G>A on transcript NM_001365536.1 (MANE Select); coding-DNA position 4685, G replaced by A.
Protein change: p.Cys1562Tyr; replaces cysteine 1562 with tyrosine.
Molecular consequence: missense variant.
Genome position (GRCh38, 1-based): chr2:166,204,044, C>T on the plus strand (G>A on the coding strand, the complement: SCN9A is on the minus strand). VCF-style: chr2-166204044-C-T. GRCh37 (hg19) VCF-style: chr2-167060554-C-T.
Other names: c.4652G>A, p.Cys1551Tyr (NM_002977.4); short protein forms C1551Y, C1562Y.
Identifiers: ClinVar variation 845942 (VCV000845942.11), dbSNP rs770005392, ClinGen allele CA1943806.
Genomic context (GRCh38, chr2:166,204,044, plus strand): 5'-TCAAAAATATTCCATCCTACAGTGAAGTAGTAGTGTCTGAGGGAGATCAGTTTTAGCACA[C>T]ATTCTCCAGTGAAAAGGATTATAAAAACCACATTTATCCAATATAAAACTTCAGTCATAT-3'
Protein context (NP_001352465.1, residues 1552-1572): VVFIILFTGE[Cys1562Tyr]VLKLISLRHY